The following is an entry in ClinVar:

NM_024642.5(GALNT12):c.1446G>A (p.Met482Ile)

Gene: GALNT12 (polypeptide N-acetylgalactosaminyltransferase 12; plus strand). Cytogenetic location: 9q22.33.
Variant type: single nucleotide variant.
Coding change: c.1446G>A on transcript NM_024642.5 (MANE Select); coding-DNA position 1446, G replaced by A.
Protein change: p.Met482Ile; replaces methionine 482 with isoleucine.
Molecular consequence: missense variant.
Genome position (GRCh38, 1-based): chr9:98,844,197, G>A. VCF-style: chr9-98844197-G-A. GRCh37 (hg19) VCF-style: chr9-101606479-G-A.
Other names: short protein forms M482I.
Identifiers: ClinVar variation 410595 (VCV000410595.20), dbSNP rs1060502970, ClinGen allele CA16612803.

ClinVar aggregate classification (germline): Uncertain significance. Review status: criteria provided, multiple submitters, no conflicts (2 of 4 stars). 4 submissions from 4 submitters: Uncertain significance (4). Last evaluated 2025-09-24.

Conditions:
Colorectal cancer, susceptibility to, 1. Also called: COLORECTAL ADENOMA AND CANCER, SUSCEPTIBILITY TO; COLORECTAL CANCER, SUSCEPTIBILITY TO, ON CHROMOSOME 9. Identifiers: MedGen C1837315, MONDO:0012132, OMIM 608812.

Allele frequency attached by ClinVar (database versions not stated): TOPMed below 0.00001; gnomAD exomes 0.00001 and 0.00002.
gnomAD v4.1: 14 of 1,607,496 alleles (0.00087%); highest among the groups gnomAD compares: South Asian, 0.0022%; no homozygotes.

Submissions (4):

Labcorp Genetics (formerly Invitae), Labcorp
Classification: Uncertain significance. Last evaluated: 2025-09-24. Review status: criteria provided, single submitter. Criteria: Invitae Variant Classification Sherloc (09022015). Collection method: clinical testing. Allele origin: germline.
Comment: This sequence change replaces methionine, which is neutral and non-polar, with isoleucine, which is neutral and non-polar, at codon 482 of the GALNT12 protein (p.Met482Ile). This variant is present in population databases (no rsID available, gnomAD 0.004%). This variant has not been reported in the literature in individuals affected with GALNT12-related conditions. ClinVar contains an entry for this variant (Variation ID: 410595). Invitae Evidence Modeling of protein sequence and biophysical properties (such as structural, functional, and spatial information, amino acid conservation, physicochemical variation, residue mobility, and thermodynamic stability) indicates that this missense variant is not expected to disrupt GALNT12 protein function with a negative predictive value of 80%. In summary, the available evidence is currently insufficient to determine the role of this variant in disease. Therefore, it has been classified as a Variant of Uncertain Significance.

Ambry Genetics
Classification: Uncertain significance. Last evaluated: 2025-02-16. Review status: criteria provided, single submitter. Criteria: Ambry Variant Classification Scheme 2023. Collection method: clinical testing. Allele origin: germline.
Comment: The p.M482I variant (also known as c.1446G>A), located in coding exon 8 of the GALNT12 gene, results from a G to A substitution at nucleotide position 1446. The methionine at codon 482 is replaced by isoleucine, an amino acid with highly similar properties. This amino acid position is well conserved in available vertebrate species. In addition, this alteration is predicted to be tolerated by in silico analysis. Since supporting evidence is limited at this time, the clinical significance of this alteration remains unclear.

Baylor Genetics
Classification: Uncertain significance for Colorectal cancer, susceptibility to, 1. Last evaluated: 2023-06-01. Review status: criteria provided, single submitter. Criteria: ACMG Guidelines, 2015. Collection method: clinical testing. Allele origin: unknown.

Institute for Clinical Genetics, University Hospital TU Dresden, University Hospital TU Dresden
Classification: Uncertain significance. Last evaluated: 2021-11-03. Review status: criteria provided, single submitter. Criteria: ACMG Guidelines, 2015. Collection method: clinical testing. Allele origin: germline.